The following is an entry in ClinVar:

NM_007227.3(GPR45):c.189G>A (p.Pro63=)

Gene: GPR45 (G protein-coupled receptor 45; plus strand). Cytogenetic location: 2q12.1.
Variant type: single nucleotide variant.
Coding change: c.189G>A on transcript NM_007227.3 (MANE Select); coding-DNA position 189, G replaced by A.
Protein change: p.Pro63=; no amino-acid change (proline 63 retained).
Molecular consequence: synonymous variant.
Genome position (GRCh38, 1-based): chr2:105,242,047, G>A. VCF-style: chr2-105242047-G-A. GRCh37 (hg19) VCF-style: chr2-105858504-G-A.
Identifiers: ClinVar variation 3697165 (VCV003697165.2).
Genomic context (GRCh38, chr2:105,242,047, plus strand): 5'-GATGACCGTGGTGGGGTTCCTGGGCAACACTGTGGTCTGCATCATCGTGTACCAGAGGCC[G>A]GCTATGCGCTCGGCCATCAACCTGCTGCTGGCCACCCTGGCCTTCTCCGACATCATGCTG-3'
Protein context (NP_009158.3, residues 53-73): TVVCIIVYQR[Pro63=]AMRSAINLLL

ClinVar aggregate classification (germline): Uncertain significance (1 of 4 stars; one submission).

Submission:

Labcorp Genetics (formerly Invitae), Labcorp
Classification: Uncertain significance. Last evaluated: 2024-08-01. Review status: criteria provided, single submitter. Criteria: Invitae Variant Classification Sherloc (09022015). Collection method: clinical testing. Allele origin: germline.
Comment: This sequence change affects codon 63 of the GPR45 mRNA. It is a 'silent' change, meaning that it does not change the encoded amino acid sequence of the GPR45 protein. This variant is not present in population databases (gnomAD no frequency). This variant has not been reported in the literature in individuals affected with GPR45-related conditions. In summary, the available evidence is currently insufficient to determine the role of this variant in disease. Therefore, it has been classified as a Variant of Uncertain Significance.